The following is an entry in ClinVar:

ClinVar aggregate classification (germline): Uncertain significance (1 of 4 stars; one submission).

Conditions:
Short stature-auditory canal atresia-mandibular hypoplasia-skeletal anomalies syndrome. Also called: Short stature, auditory canal atresia, mandibular hypoplasia, and skeletal abnormalities. Identifiers: Orphanet 397623, MedGen C1865361, MONDO:0011227, OMIM 602471.

gnomAD v4.1: 4 of 1,442,726 alleles (0.00028%); highest among the groups gnomAD compares: East Asian, 0.0029%; no homozygotes.

Submission:

Victorian Clinical Genetics Services, Murdoch Childrens Research Institute
Classification: Uncertain significance for Short stature-auditory canal atresia-mandibular hypoplasia-skeletal anomalies syndrome. Last evaluated: 2020-05-25. Review status: criteria provided, single submitter. Criteria: ACMG Guidelines, 2015. Collection method: clinical testing. Allele origin: germline. Inheritance: Autosomal recessive inheritance. Affected: yes.
Comment: Based on the classification scheme VCGS_Germline_v1.1.0, this variant is classified as a 3B. Following criteria are met: 0102 - Loss-of-function is a known mechanism of disease for this gene. (N) 0106 - This gene is known to be associated with autosomal recessive disease. (N) 0200 - Variant is predicted to result in a missense amino acid change from glycine to arginine (exon 1). (N) 0251 - Variant is heterozygous. (N) 0301 - Variant is absent from gnomAD. (P) 0501 - Missense variant consistently predicted to be damaging by multiple in-silico tools or highly conserved with a major amino acid change. (PolyPhen2, PROVEAN, MutationAssessor, FATHMM, UCSC) (P) 0604 - Variant is not located in an established domain, motif, hotspot or informative constraint region. (N) 0705 - No comparable variants have previous evidence for pathogenicity. (N) 0807 - Variant has not previously been reported in a clinical context. (N) 0905 - No segregation evidence has been identified for this variant. (N) 1007 - No published functional evidence has been identified for this variant. (N) 1208 - Inheritance information for this variant is not currently available. (N)

NM_173849.3(GSC):c.256G>C (p.Gly86Arg)

Gene: GSC (goosecoid homeobox; minus strand). Cytogenetic location: 14q32.13.
Variant type: single nucleotide variant.
Coding change: c.256G>C on transcript NM_173849.3 (MANE Select); coding-DNA position 256, G replaced by C.
Protein change: p.Gly86Arg; replaces glycine 86 with arginine.
Molecular consequence: missense variant.
Genome position (GRCh38, 1-based): chr14:94,769,760, C>G on the plus strand (G>C on the coding strand, the complement: GSC is on the minus strand). VCF-style: chr14-94769760-C-G. GRCh37 (hg19) VCF-style: chr14-95236097-C-G.
Other names: short protein forms G86R.
Identifiers: ClinVar variation 1699356 (VCV001699356.3), dbSNP rs951684427, ClinGen allele CA391148861.
Genomic context (GRCh38, chr14:94,769,760, plus strand): 5'-GCGGCGGCACGGCCCCGCAGCAGGCCGGGCCCACGGGCGCCGCCTGCACGTGCAGCTGCC[C>G]GTAGAAGTAGTTGTTGTAGCCGAGGCGGGAGCCGCTGACCGCGGCCGGGAGGCCCGCGCC-3'
Protein context (NP_776248.1, residues 76-96): SRLGYNNYFY[Gly86Arg]QLHVQAAPVG